The following is an entry in ClinVar:

NM_001018005.2(TPM1):c.69G>C (p.Glu23Asp)

Gene: TPM1 (tropomyosin 1; plus strand). Cytogenetic location: 15q22.2.
Variant type: single nucleotide variant.
Coding change: c.69G>C on transcript NM_001018005.2 (MANE Select); coding-DNA position 69, G replaced by C.
Protein change: p.Glu23Asp; replaces glutamic acid 23 with aspartic acid.
Molecular consequence: missense variant.
Genome position (GRCh38, 1-based): chr15:63,042,898, G>C. VCF-style: chr15-63042898-G-C. GRCh37 (hg19) VCF-style: chr15-63335097-G-C.
Other names: c.69G>C (NM_001018005.1); c.69G>C, p.Glu23Asp (NM_000366.6, NM_001018004.2, NM_001018006.2 and 7 more transcripts); short protein forms E23D.
Identifiers: ClinVar variation 235067 (VCV000235067.4), dbSNP rs876661396, ClinGen allele CA10581183.

ClinVar aggregate classification (germline): Uncertain significance. Review status: criteria provided, multiple submitters, no conflicts (2 of 4 stars). 2 submissions from 2 submitters: Uncertain significance (2). Last evaluated 2026-09-10.

Conditions:
Cardiovascular phenotype. Identifiers: MedGen CN230736.

Allele frequency attached by ClinVar (database versions not stated): gnomAD exomes below 0.00001.
gnomAD v4.1: 1 of 1,611,924 alleles (0.000062%); highest among the groups gnomAD compares: Non-Finnish European, 0.000085%; no homozygotes.

Submissions (2):

Ambry Genetics
Classification: Uncertain significance for Cardiovascular phenotype. Last evaluated: 2026-09-10. Review status: criteria provided, single submitter. Criteria: Ambry Variant Classification Scheme 2023. Collection method: clinical testing. Allele origin: germline.
Comment: The p.E23D variant (also known as c.69G>C), located in coding exon 1 of the TPM1 gene, results from a G to C substitution at nucleotide position 69. The glutamic acid at codon 23 is replaced by aspartic acid, an amino acid with highly similar properties. This variant was reported in individual(s) with features consistent with hypertrophic cardiomyopathy (Ho CY et al. Circulation, 2018 Oct;138:1387-1398; Miller RJH et al. PLoS One, 2019 Jun;14:e0217612; Ambry internal data). This amino acid position is highly conserved in available vertebrate species. In addition, the in silico prediction for this alteration is inconclusive. Based on the available evidence, the clinical significance of this variant remains unclear.

Stanford Center for Inherited Cardiovascular Disease, Stanford University
Classification: Uncertain significance. Last evaluated: 2013-06-19. Review status: criteria provided, single submitter. Criteria: ACMG Guidelines, 2015. Collection method: provider interpretation. Allele origin: germline.

Literature cited by the submitters: PubMed 30297972 (cited by Ambry Genetics); PubMed 31199839 (cited by Ambry Genetics).